The following is an entry in ClinVar:

ClinVar aggregate classification (germline): Uncertain significance (1 of 4 stars; one submission).

Conditions:
Benign neonatal seizures. Also called: Benign neonatal familial convulsions; Convulsions benign familial neonatal dominant form; Autosomal dominant form of benign neonatal seizures; Benign familial neonatal seizures; Benign familial neonatal epilepsy. Identifiers: Orphanet 1949, MedGen C0220669, MONDO:0016027.

Submission:

Labcorp Genetics (formerly Invitae), Labcorp
Classification: Uncertain significance for Benign neonatal seizures. Last evaluated: 2025-11-25. Review status: criteria provided, single submitter. Criteria: Invitae Variant Classification Sherloc (09022015). Collection method: clinical testing. Allele origin: germline.
Comment: This sequence change replaces serine, which is neutral and polar, with arginine, which is basic and polar, at codon 228 of the KCNQ3 protein (p.Ser228Arg). This variant is not present in population databases (gnomAD no frequency). This variant has not been reported in the literature in individuals affected with KCNQ3-related conditions. Invitae Evidence Modeling of protein sequence and biophysical properties (such as structural, functional, and spatial information, amino acid conservation, physicochemical variation, residue mobility, and thermodynamic stability) has been performed for this missense variant. However, the output from this modeling did not meet the statistical confidence thresholds required to predict the impact of this variant on KCNQ3 protein function. In summary, the available evidence is currently insufficient to determine the role of this variant in disease. Therefore, it has been classified as a Variant of Uncertain Significance.

NM_004519.4(KCNQ3):c.684C>G (p.Ser228Arg)

Gene: KCNQ3 (potassium voltage-gated channel subfamily Q member 3; minus strand). Cytogenetic location: 8q24.22.
Variant type: single nucleotide variant.
Coding change: c.684C>G on transcript NM_004519.4 (MANE Select); coding-DNA position 684, C replaced by G.
Protein change: p.Ser228Arg; replaces serine 228 with arginine.
Molecular consequence: missense variant.
Genome position (GRCh38, 1-based): chr8:132,180,250, G>C on the plus strand (C>G on the coding strand, the complement: KCNQ3 is on the minus strand). VCF-style: chr8-132180250-G-C. GRCh37 (hg19) VCF-style: chr8-133192497-G-C.
Other names: c.324C>G, p.Ser108Arg (NM_001204824.2); short protein forms S108R, S228R.
Identifiers: ClinVar variation 4741813 (VCV004741813.1).